The following is an entry in ClinVar:

NM_182961.4(SYNE1):c.25135G>A (p.Glu8379Lys)

Gene: SYNE1 (spectrin repeat containing nuclear envelope protein 1; minus strand). Cytogenetic location: 6q25.2.
Variant type: single nucleotide variant.
Coding change: c.25135G>A on transcript NM_182961.4 (MANE Select); coding-DNA position 25135, G replaced by A.
Protein change: p.Glu8379Lys; replaces glutamic acid 8379 with lysine.
Molecular consequence: missense variant.
Genome position (GRCh38, 1-based): chr6:152,141,314, C>T on the plus strand (G>A on the coding strand, the complement: SYNE1 is on the minus strand). VCF-style: chr6-152141314-C-T. GRCh37 (hg19) VCF-style: chr6-152462449-C-T.
Other names: c.24991G>A (NM_033071.3); c.1741G>A, p.Glu581Lys (NM_001347701.2); c.1669G>A, p.Glu557Lys (NM_001347702.2); c.24991G>A, p.Glu8331Lys (NM_033071.5); short protein forms E581K, E8331K, E8379K, E557K.
Identifiers: ClinVar variation 805572 (VCV000805572.5), dbSNP rs531559372, ClinGen allele CA4052919.

ClinVar aggregate classification (germline): Uncertain significance. Review status: criteria provided, multiple submitters, no conflicts (2 of 4 stars). 3 submissions from 3 submitters: Uncertain significance (3). Last evaluated 2024-12-09.

Conditions:
Emery-Dreifuss muscular dystrophy 4, autosomal dominant (EDMD4). Also called: EMERY-DREIFUSS MUSCULAR DYSTROPHY 4 WITH VARIABLE FEATURES. Identifiers: Orphanet 261, MedGen C2751807, MONDO:0013071, OMIM 612998.
Autosomal recessive ataxia, Beauce type. Also called: Spinocerebellar ataxia, autosomal recessive 8; ATAXIA, RECESSIVE, OF BEAUCE; SYNE1 Deficiency; SYNE1-Related Autosomal Recessive Cerebellar Ataxia. Identifiers: Orphanet 88644, MedGen C1853116, MONDO:0012549, OMIM 610743.

Allele frequency attached by ClinVar (database versions not stated): ExAC 0.00001; gnomAD 0.00002 and 0.00003; gnomAD exomes 0.00002; TOPMed 0.00004; 1000 Genomes Project 30x 0.00016; 1000 Genomes Project 0.00020.
gnomAD v4.1: 17 of 1,613,998 alleles (0.0011%); highest among the groups gnomAD compares: East Asian, 0.0067%; no homozygotes.

Submissions (3):

Labcorp Genetics (formerly Invitae), Labcorp
Classification: Uncertain significance for Emery-Dreifuss muscular dystrophy 4, autosomal dominant; Autosomal recessive ataxia, Beauce type. Last evaluated: 2024-12-09. Review status: criteria provided, single submitter. Criteria: Invitae Variant Classification Sherloc (09022015). Collection method: clinical testing. Allele origin: germline.
Comment: This sequence change replaces glutamic acid, which is acidic and polar, with lysine, which is basic and polar, at codon 8331 of the SYNE1 protein (p.Glu8331Lys). This variant is present in population databases (rs531559372, gnomAD 0.006%). This variant has not been reported in the literature in individuals affected with SYNE1-related conditions. ClinVar contains an entry for this variant (Variation ID: 805572). An algorithm developed to predict the effect of missense changes on protein structure and function (PolyPhen-2) suggests that this variant¬¨‚Ä†is likely to be tolerated. In summary, the available evidence is currently insufficient to determine the role of this variant in disease. Therefore, it has been classified as a Variant of Uncertain Significance.

Revvity Omics, Revvity
Classification: Uncertain significance. Last evaluated: 2020-11-16. Review status: criteria provided, single submitter. Criteria: ACMG Guidelines, 2015. Collection method: clinical testing. Allele origin: germline.

Athena Diagnostics
Classification: Uncertain significance. Last evaluated: 2018-09-30. Review status: criteria provided, single submitter. Criteria: Athena Diagnostics Criteria. Collection method: clinical testing. Allele origin: germline.